The following is an entry in ClinVar:

ClinVar aggregate classification (germline): Conflicting classifications of pathogenicity. Review status: criteria provided, conflicting classifications (1 of 4 stars). 4 submissions from 4 submitters: Uncertain significance (2); Likely benign (2). Last evaluated 2025-12-02.

Conditions:
MYO18B-related disorder. Also called: MYO18B-related condition.
Klippel-Feil anomaly-myopathy-facial dysmorphism syndrome. Also called: Klippel-feil syndrome 4, autosomal recessive, with nemaline myopathy and facial dysmorphism; Klippel-Feil syndrome 4, autosomal recessive, with myopathy and facial dysmorphism. Identifiers: Orphanet 447974, MedGen C4225285, MONDO:0014689, OMIM 616549.

Allele frequency attached by ClinVar (database versions not stated): ExAC 0.00019; gnomAD exomes 0.00021; 1000 Genomes Project 0.00060; ESP Exome Variant Server 0.00064; 1000 Genomes Project 30x 0.00078; TOPMed 0.00091; gnomAD 0.00100 and 0.00113.
gnomAD v4.1: 253 of 1,613,808 alleles (0.016%); highest among the groups gnomAD compares: African/African-American, 0.25%; 1 homozygote.

Submissions (4):

Labcorp Genetics (formerly Invitae), Labcorp
Classification: Likely benign. Last evaluated: 2025-12-02. Review status: criteria provided, single submitter. Criteria: Invitae Variant Classification Sherloc (09022015). Collection method: clinical testing. Allele origin: germline.

PreventionGenetics, part of Exact Sciences
Classification: Likely benign for MYO18B-related condition. Last evaluated: 2025-11-03. Review status: criteria provided, single submitter. Criteria: ACMG Guidelines, 2015. Collection method: clinical testing. Allele origin: germline.
Comment: This variant is classified as likely benign based on ACMG/AMP sequence variant interpretation guidelines (Richards et al. 2015 PMID: 25741868, with internal and published modifications).

Blueprint Genetics
Classification: Uncertain significance. Last evaluated: 2024-05-29. Review status: criteria provided, single submitter. Criteria: ACMG Guidelines, 2015. Collection method: clinical testing. Allele origin: germline.

Revvity Omics, Revvity
Classification: Uncertain significance for Klippel-Feil anomaly-myopathy-facial dysmorphism syndrome. Last evaluated: 2023-06-15. Review status: criteria provided, single submitter. Criteria: ACMG Guidelines, 2015. Collection method: clinical testing. Allele origin: germline.

NM_032608.7(MYO18B):c.445A>G (p.Arg149Gly)

Gene: MYO18B (myosin XVIIIB; plus strand). Cytogenetic location: 22q12.1.
Variant type: single nucleotide variant.
Coding change: c.445A>G on transcript NM_032608.7 (MANE Select); coding-DNA position 445, A replaced by G.
Protein change: p.Arg149Gly; replaces arginine 149 with glycine.
Molecular consequence: missense variant.
Genome position (GRCh38, 1-based): chr22:25,768,361, A>G. VCF-style: chr22-25768361-A-G. GRCh37 (hg19) VCF-style: chr22-26164328-A-G.
Other names: c.445A>G, p.Arg149Gly (NM_001318245.2); c.445A>G (NM_032608.6); short protein forms R149G.
Identifiers: ClinVar variation 1594252 (VCV001594252.12), dbSNP rs116601609, ClinGen allele CA10159586.